The following is an entry in ClinVar:

NM_020686.6(ABAT):c.561G>C (p.Arg187Ser)

Gene: ABAT (4-aminobutyrate aminotransferase; plus strand). Cytogenetic location: 16p13.2.
Variant type: single nucleotide variant.
Coding change: c.561G>C on transcript NM_020686.6 (MANE Select); coding-DNA position 561, G replaced by C.
Protein change: p.Arg187Ser; replaces arginine 187 with serine.
Molecular consequence: missense variant. On other transcripts: intron variant (4).
Genome position (GRCh38, 1-based): chr16:8,766,228, G>C. VCF-style: chr16-8766228-G-C. GRCh37 (hg19) VCF-style: chr16-8860085-G-C.
Other names: c.561G>C, p.Arg187Ser (NM_000663.5, NM_001127448.2, NM_001386600.1 and 7 more transcripts); c.468G>C, p.Arg156Ser (NM_001386608.1); c.426G>C, p.Arg142Ser (NM_001386610.1, NM_001386611.1); c.315G>C, p.Arg105Ser (NM_001386614.1); c.657G>C, p.Arg219Ser (NM_001386615.1); c.540+1398G>C (NM_001386607.1, NM_001386606.1); c.405+1398G>C (NM_001386612.1, NM_001386613.1); short protein forms R187S, R105S, R142S, R156S, R219S.
Identifiers: ClinVar variation 321076 (VCV000321076.13), dbSNP rs141279192, ClinGen allele CA7893198.

ClinVar aggregate classification (germline): Conflicting classifications of pathogenicity. Review status: criteria provided, conflicting classifications (1 of 4 stars). 5 submissions from 5 submitters: Uncertain significance (4); Likely benign (1). Last evaluated 2025-08-23.

Conditions:
Inborn genetic diseases. Identifiers: MedGen C0950123, MeSH D030342.
Gamma-aminobutyric acid transaminase deficiency (GABATD). Also called: GABA aminotransaminase deficiency; GABA transaminase deficiency; Gamma aminobutyrate transaminase deficiency; 4 alpha aminobutyrate transaminase deficiency. Identifiers: Orphanet 2066, MedGen C0342708, MONDO:0013166, OMIM 613163.

Allele frequency attached by ClinVar (database versions not stated): gnomAD 0.00002 and 0.00003; TOPMed 0.00003; gnomAD exomes 0.00005 and 0.00008; ExAC 0.00006; ESP Exome Variant Server 0.00008.
gnomAD v4.1: 112 of 1,613,976 alleles (0.0069%); highest among the groups gnomAD compares: Middle Eastern, 0.016%; no homozygotes.

Submissions (5):

Ambry Genetics
Classification: Uncertain significance for Inborn genetic diseases. Last evaluated: 2025-08-23. Review status: criteria provided, single submitter. Criteria: Ambry Variant Classification Scheme 2023. Collection method: clinical testing. Allele origin: germline.

Blueprint Genetics
Classification: Uncertain significance. Last evaluated: 2024-10-28. Review status: criteria provided, single submitter. Criteria: ACMG Guidelines, 2015. Collection method: clinical testing. Allele origin: germline.

3billion
Classification: Likely benign for Gamma-aminobutyric acid transaminase deficiency. Last evaluated: 2024-09-20. Review status: criteria provided, single submitter. Criteria: ACMG Guidelines, 2015. Collection method: clinical testing. Allele origin: germline. Affected: no.
Comment: The homozygous variant was found in patients diagnosed with another variant in a different gene, with no symptoms related to the gene containing the homozygous variant.

Labcorp Genetics (formerly Invitae), Labcorp
Classification: Uncertain significance for Gamma-aminobutyric acid transaminase deficiency. Last evaluated: 2022-10-13. Review status: criteria provided, single submitter. Criteria: Invitae Variant Classification Sherloc (09022015). Collection method: clinical testing. Allele origin: germline.
Comment: This sequence change replaces arginine, which is basic and polar, with serine, which is neutral and polar, at codon 187 of the ABAT protein (p.Arg187Ser). This variant is present in population databases (rs141279192, gnomAD 0.009%). This variant has not been reported in the literature in individuals affected with ABAT-related conditions. ClinVar contains an entry for this variant (Variation ID: 321076). Advanced modeling of protein sequence and biophysical properties (such as structural, functional, and spatial information, amino acid conservation, physicochemical variation, residue mobility, and thermodynamic stability) performed at Invitae indicates that this missense variant is not expected to disrupt ABAT protein function. In summary, the available evidence is currently insufficient to determine the role of this variant in disease. Therefore, it has been classified as a Variant of Uncertain Significance.

Illumina Laboratory Services, Illumina
Classification: Uncertain significance for Gamma-aminobutyric acid transaminase deficiency. Last evaluated: 2018-01-13. Review status: criteria provided, single submitter. Criteria: ICSL Variant Classification Criteria 13 December 2019. Collection method: clinical testing. Allele origin: germline.